The following is an entry in ClinVar:

ClinVar aggregate classification (germline): Conflicting classifications of pathogenicity. Review status: criteria provided, conflicting classifications (1 of 4 stars). 2 submissions from 2 submitters: Uncertain significance (1); Likely benign (1). Last evaluated 2025-06-18.

Conditions:
KIDINS220-related disorder. Also called: KIDINS220-related condition.

Allele frequency attached by ClinVar (database versions not stated): gnomAD exomes below 0.00001; TOPMed 0.00001; gnomAD 0.00002.
gnomAD v4.1: 6 of 1,613,884 alleles (0.00037%); highest among the groups gnomAD compares: African/African-American, 0.0027%; no homozygotes.

Submissions (3):

PreventionGenetics, part of Exact Sciences
Classification: Likely benign for KIDINS220-related condition. Last evaluated: 2025-06-18. Review status: criteria provided, single submitter. Criteria: ACMG Guidelines, 2015. Collection method: clinical testing. Allele origin: germline.
Comment: This variant is classified as likely benign based on ACMG/AMP sequence variant interpretation guidelines (Richards et al. 2015 PMID: 25741868, with internal and published modifications).

Labcorp Genetics (formerly Invitae), Labcorp
Classification: Uncertain significance. Last evaluated: 2024-06-15. Review status: criteria provided, single submitter. Criteria: Invitae Variant Classification Sherloc (09022015). Collection method: clinical testing. Allele origin: germline.
Comment: This sequence change falls in intron 27 of the KIDINS220 gene. It does not directly change the encoded amino acid sequence of the KIDINS220 protein. It affects a nucleotide within the consensus splice site. This variant is present in population databases (no rsID available, gnomAD 0.01%). This variant has been observed in individual(s) with clinical features of hereditary spastic paraplegia (Invitae). ClinVar contains an entry for this variant (Variation ID: 1462207). Variants that disrupt the consensus splice site are a relatively common cause of aberrant splicing (PMID: 17576681, 9536098). Algorithms developed to predict the effect of sequence changes on RNA splicing suggest that this variant is not likely to affect RNA splicing. In summary, the available evidence is currently insufficient to determine the role of this variant in disease. Therefore, it has been classified as a Variant of Uncertain Significance.

Dr. Peter K. Rogan Lab, Western University
No classification provided (evidence only). Condition: Lung cancer. Review status: no classification provided. Collection method: in vitro. Allele origin: not applicable. Functional consequence: retained intron. Not counted in ClinVar's aggregate classification.

Literature cited by the submitters: PubMed 17576681 (cited by Labcorp Genetics (formerly Invitae), Labcorp); PubMed 9536098 (cited by Labcorp Genetics (formerly Invitae), Labcorp).

NM_020738.4(KIDINS220):c.3717+5G>T

Gene: KIDINS220 (kinase D interacting substrate 220; minus strand). Cytogenetic location: 2p25.1.
Variant type: single nucleotide variant.
Coding change: c.3717+5G>T on transcript NM_020738.4 (MANE Select); 5 bases into the intron after coding-DNA position 3717, G replaced by T.
Molecular consequence: intron variant.
Genome position (GRCh38, 1-based): chr2:8,736,863, C>A on the plus strand (G>T on the coding strand, the complement: KIDINS220 is on the minus strand). VCF-style: chr2-8736863-C-A. GRCh37 (hg19) VCF-style: chr2-8876993-C-A.
Other names: c.3546+5G>T (NM_001348741.2, NM_001348742.2, NM_001348743.2 and 1 more transcripts); c.3660+5G>T (NM_001348738.2, NM_001348732.2); c.3549+5G>T (NM_001348739.2, NM_001348740.2, NM_001348734.2); c.3663+5G>T (NM_001348731.2); c.3720+5G>T (NM_001348729.2); c.3420+5G>T (NM_001348736.2); c.3717+5G>T (NM_020738.2).
Identifiers: ClinVar variation 1462207 (VCV001462207.10), dbSNP rs1035925763, ClinGen allele CA42329997.